The following is an entry in ClinVar:

NM_015570.4(AUTS2):c.1132G>C (p.Val378Leu)

Gene: AUTS2 (activator of transcription and developmental regulator AUTS2; plus strand). Cytogenetic location: 7q11.22.
Variant type: single nucleotide variant.
Coding change: c.1132G>C on transcript NM_015570.4 (MANE Select); coding-DNA position 1132, G replaced by C.
Protein change: p.Val378Leu; replaces valine 378 with leucine.
Molecular consequence: missense variant.
Genome position (GRCh38, 1-based): chr7:70,763,259, G>C. VCF-style: chr7-70763259-G-C. GRCh37 (hg19) VCF-style: chr7-70228245-G-C.
Other names: c.1132G>C, p.Val378Leu (NM_001127231.3); short protein forms V378L.
Identifiers: ClinVar variation 1184289 (VCV001184289.8), dbSNP rs771546186, ClinGen allele CA367667908.
Genomic context (GRCh38, chr7:70,763,259, plus strand): 5'-GTGCAGAGGCCACCCAGGCCACAGTCCCCCACCCAGCTGCTCCATCAGAACCTCCCACCT[G>C]TGCAGGCCCACCCCTCTGCTCAGAGCCTCTCCCAGCCATTGTCAGCCTACAACAGCAGTA-3'
Protein context (NP_056385.1, residues 368-388): TQLLHQNLPP[Val378Leu]QAHPSAQSLS

ClinVar aggregate classification (germline): Uncertain significance. Review status: criteria provided, multiple submitters, no conflicts (2 of 4 stars). 3 submissions from 3 submitters: Uncertain significance (3). Last evaluated 2024-03-29.

Conditions:
Autism spectrum disorder due to AUTS2 deficiency (MRD26). Also called: INTELLECTUAL DEVELOPMENTAL DISORDER, AUTOSOMAL DOMINANT 26. Identifiers: Orphanet 352490, MedGen C4014435, MONDO:0014361, OMIM 615834.

Submissions (3):

Women's Health and Genetics/Laboratory Corporation of America, LabCorp
Classification: Uncertain significance. Last evaluated: 2024-03-29. Review status: criteria provided, single submitter. Criteria: LabCorp Variant Classification Summary - May 2015. Collection method: clinical testing. Allele origin: germline.
Comment: Variant summary: AUTS2 c.1132G>C (p.Val378Leu) results in a conservative amino acid change in the encoded protein sequence. Four of five in-silico tools predict a benign effect of the variant on protein function. The variant was absent in 250230 control chromosomes. The available data on variant occurrences in the general population are insufficient to allow any conclusion about variant significance. To our knowledge, no occurrence of c.1132G>C in individuals affected with Autism Spectrum Disorder Due To AUTS2 Deficiency and no experimental evidence demonstrating its impact on protein function have been reported. ClinVar contains an entry for this variant (Variation ID: 1184289). Based on the evidence outlined above, the variant was classified as uncertain significance.

Labcorp Genetics (formerly Invitae), Labcorp
Classification: Uncertain significance. Last evaluated: 2024-02-05. Review status: criteria provided, single submitter. Criteria: Invitae Variant Classification Sherloc (09022015). Collection method: clinical testing. Allele origin: germline.
Comment: This sequence change replaces valine, which is neutral and non-polar, with leucine, which is neutral and non-polar, at codon 378 of the AUTS2 protein (p.Val378Leu). This variant is not present in population databases (gnomAD no frequency). This variant has not been reported in the literature in individuals affected with AUTS2-related conditions. ClinVar contains an entry for this variant (Variation ID: 1184289). Advanced modeling of protein sequence and biophysical properties (such as structural, functional, and spatial information, amino acid conservation, physicochemical variation, residue mobility, and thermodynamic stability) performed at Invitae indicates that this missense variant is not expected to disrupt AUTS2 protein function with a negative predictive value of 80%. In summary, the available evidence is currently insufficient to determine the role of this variant in disease. Therefore, it has been classified as a Variant of Uncertain Significance.

New York Genome Center
Classification: Uncertain significance for Autism spectrum disorder due to AUTS2 deficiency. Last evaluated: 2020-05-21. Review status: criteria provided, single submitter. Criteria: NYGC Assertion Criteria 2020. Collection method: clinical testing. Allele origin: inherited. Observed: 1 heterozygote. Study: CSER-NYCKidSeq.